The following is an entry in ClinVar:

NM_000368.5(TSC1):c.1403C>T (p.Ser468Phe)

Gene: TSC1 (TSC complex subunit 1; minus strand). Cytogenetic location: 9q34.13.
Variant type: single nucleotide variant.
Coding change: c.1403C>T on transcript NM_000368.5 (MANE Select); coding-DNA position 1403, C replaced by T.
Protein change: p.Ser468Phe; replaces serine 468 with phenylalanine.
Molecular consequence: missense variant.
Genome position (GRCh38, 1-based): chr9:132,906,766, G>A on the plus strand (C>T on the coding strand, the complement: TSC1 is on the minus strand). VCF-style: chr9-132906766-G-A. GRCh37 (hg19) VCF-style: chr9-135782153-G-A.
Other names: c.1400C>T, p.Ser467Phe (NM_001162426.2); c.1250C>T, p.Ser417Phe (NM_001162427.2); c.1040C>T, p.Ser347Phe (NM_001362177.2); short protein forms S347F, S417F, S467F, S468F.
Identifiers: ClinVar variation 945729 (VCV000945729.9), dbSNP rs1845695519, ClinGen allele CA375365891.

ClinVar aggregate classification (germline): Uncertain significance. Review status: criteria provided, multiple submitters, no conflicts (2 of 4 stars). 2 submissions from 2 submitters: Uncertain significance (2). Last evaluated 2025-08-24.

Conditions:
Tuberous sclerosis syndrome (TSC). Also called: Tuberous Sclerosis Complex; Tuberous sclerosis. Identifiers: Orphanet 805, MedGen C0041341, MONDO:0001734.
Tuberous sclerosis 1 (TSC1). Identifiers: Orphanet 805, MedGen C1854465, MONDO:0008612, OMIM 191100.

Submissions (2):

Color Diagnostics, LLC DBA Color Health
Classification: Uncertain significance for Tuberous sclerosis syndrome. Last evaluated: 2025-08-24. Review status: criteria provided, single submitter. Criteria: ACMG Guidelines, 2015. Collection method: clinical testing. Allele origin: germline.
Comment: This missense variant replaces serine with phenylalanine at codon 468 of the TSC1 protein. Computational prediction suggests that this variant may not impact protein structure and function. To our knowledge, functional studies have not been reported for this variant. This variant has not been reported in individuals affected with TSC1-related disorders in the literature. This variant has not been identified in the general population by the Genome Aggregation Database (gnomAD). The available evidence is insufficient to determine the role of this variant in disease conclusively. Therefore, this variant is classified as a Variant of Uncertain Significance.

Labcorp Genetics (formerly Invitae), Labcorp
Classification: Uncertain significance for Tuberous sclerosis 1. Last evaluated: 2022-01-17. Review status: criteria provided, single submitter. Criteria: Invitae Variant Classification Sherloc (09022015). Collection method: clinical testing. Allele origin: germline.
Comment: In summary, the available evidence is currently insufficient to determine the role of this variant in disease. Therefore, it has been classified as a Variant of Uncertain Significance. Algorithms developed to predict the effect of missense changes on protein structure and function (SIFT, PolyPhen-2, Align-GVGD) all suggest that this variant is likely to be tolerated. ClinVar contains an entry for this variant (Variation ID: 945729). This variant has not been reported in the literature in individuals affected with TSC1-related conditions. This variant is not present in population databases (gnomAD no frequency). This sequence change replaces serine, which is neutral and polar, with phenylalanine, which is neutral and non-polar, at codon 468 of the TSC1 protein (p.Ser468Phe).